The following is an entry in ClinVar:

ClinVar aggregate classification (germline): Uncertain significance (1 of 4 stars; one submission).

Allele frequency attached by ClinVar (database versions not stated): gnomAD 0.00001.
gnomAD v4.1: 1 of 1,532,880 alleles (0.000065%); highest among the groups gnomAD compares: Non-Finnish European, 0.000087%; no homozygotes.

Submission:

Labcorp Genetics (formerly Invitae), Labcorp
Classification: Uncertain significance. Last evaluated: 2025-08-11. Review status: criteria provided, single submitter. Criteria: Invitae Variant Classification Sherloc (09022015). Collection method: clinical testing. Allele origin: germline.
Comment: This sequence change affects codon 325 of the MAGEL2 mRNA. It is a 'silent' change, meaning that it does not change the encoded amino acid sequence of the MAGEL2 protein. This variant is not present in population databases (gnomAD no frequency). This variant has not been reported in the literature in individuals affected with MAGEL2-related conditions. ClinVar contains an entry for this variant (Variation ID: 1995656). In summary, the available evidence is currently insufficient to determine the role of this variant in disease. Therefore, it has been classified as a Variant of Uncertain Significance.

NM_019066.5(MAGEL2):c.975G>A (p.Pro325=)

Gene: MAGEL2 (MAGE family member L2; minus strand). Cytogenetic location: 15q11.2.
Variant type: single nucleotide variant.
Coding change: c.975G>A on transcript NM_019066.5 (MANE Select); coding-DNA position 975, G replaced by A.
Protein change: p.Pro325=; no amino-acid change (proline 325 retained).
Molecular consequence: synonymous variant.
Genome position (GRCh38, 1-based): chr15:23,646,768, C>T on the plus strand (G>A on the coding strand, the complement: MAGEL2 is on the minus strand). VCF-style: chr15-23646768-C-T. GRCh37 (hg19) VCF-style: chr15-23891915-C-T.
Identifiers: ClinVar variation 1995656 (VCV001995656.4), dbSNP rs1432678687, ClinGen allele CA711340408.